The following is an entry in ClinVar:

ClinVar aggregate classification (germline): Uncertain significance. Review status: criteria provided, multiple submitters, no conflicts (2 of 4 stars). 2 submissions from 2 submitters: Uncertain significance (2). Last evaluated 2024-11-05.

Allele frequency attached by ClinVar (database versions not stated): TOPMed 0.00005.
gnomAD v4.1: 192 of 1,545,502 alleles (0.012%); highest among the groups gnomAD compares: Non-Finnish European, 0.016%; no homozygotes.

Submissions (2):

Labcorp Genetics (formerly Invitae), Labcorp
Classification: Uncertain significance. Last evaluated: 2024-11-05. Review status: criteria provided, single submitter. Criteria: Invitae Variant Classification Sherloc (09022015). Collection method: clinical testing. Allele origin: germline.
Comment: This sequence change replaces alanine, which is neutral and non-polar, with glutamic acid, which is acidic and polar, at codon 40 of the CDH3 protein (p.Ala40Glu). This variant is present in population databases (rs749703265, gnomAD 0.01%). This variant has not been reported in the literature in individuals affected with CDH3-related conditions. ClinVar contains an entry for this variant (Variation ID: 290999). An algorithm developed to predict the effect of missense changes on protein structure and function (PolyPhen-2) suggests that this variant¬†is likely to be tolerated. In summary, the available evidence is currently insufficient to determine the role of this variant in disease. Therefore, it has been classified as a Variant of Uncertain Significance.

Eurofins Ntd Llc (ga)
Classification: Uncertain significance. Last evaluated: 2016-09-21. Review status: criteria provided, single submitter. Criteria: EGL Classification Definitions 2015. Collection method: clinical testing. Allele origin: germline. Observed: 1 variant allele, 1 heterozygote.

NM_001793.6(CDH3):c.119C>A (p.Ala40Glu)

Genes: CDH3 (cadherin 3; plus strand), CDH3-AS1 (CDH3 antisense RNA 1; minus strand). Cytogenetic location: 16q22.1.
Variant type: single nucleotide variant.
Coding change: c.119C>A on transcript NM_001793.6 (MANE Select); coding-DNA position 119, C replaced by A.
Protein change: p.Ala40Glu; replaces alanine 40 with glutamic acid.
Molecular consequence: missense variant. On other transcripts: intron variant (1).
Genome position (GRCh38, 1-based): chr16:68,645,709, C>A. VCF-style: chr16-68645709-C-A. GRCh37 (hg19) VCF-style: chr16-68679612-C-A.
Other names: c.119C>A, p.Ala40Glu (NM_001317195.3); c.-6+285C>A (NM_001317196.2); short protein forms A40E.
Identifiers: ClinVar variation 290999 (VCV000290999.12), dbSNP rs749703265, ClinGen allele CA10606978.